The following is an entry in ClinVar:

NM_004006.3(DMD):c.6640T>G (p.Ser2214Ala)

Gene: DMD (dystrophin; minus strand). Cytogenetic location: Xp21.1.
Variant type: single nucleotide variant.
Coding change: c.6640T>G on transcript NM_004006.3 (MANE Select); coding-DNA position 6640, T replaced by G.
Protein change: p.Ser2214Ala; replaces serine 2214 with alanine.
Molecular consequence: missense variant. On other transcripts: 5 prime UTR variant (5).
Genome position (GRCh38, 1-based): chrX:31,932,202, A>C on the plus strand (T>G on the coding strand, the complement: DMD is on the minus strand). VCF-style: chrX-31932202-A-C. GRCh37 (hg19) VCF-style: chrX-31950319-A-C.
Other names: c.6616T>G, p.Ser2206Ala (NM_000109.4); c.6628T>G, p.Ser2210Ala (NM_004009.3); c.6271T>G, p.Ser2091Ala (NM_004010.3); c.2617T>G, p.Ser873Ala (NM_004011.4); c.2608T>G, p.Ser870Ala (NM_004012.4); c.-741T>G (NM_004013.3, NM_004020.4, NM_004021.3 and 2 more transcripts); short protein forms S2214A, S870A, S873A, S2206A, S2091A, S2210A.
Identifiers: ClinVar variation 2052293 (VCV002052293.5), dbSNP rs1430156647, ClinGen allele CA412658374.

ClinVar aggregate classification (germline): Conflicting classifications of pathogenicity. Review status: criteria provided, conflicting classifications (1 of 4 stars). 2 submissions from 2 submitters: Uncertain significance (1); Likely benign (1). Last evaluated 2024-04-26.

Conditions:
Becker muscular dystrophy (BMD). Also called: MUSCULAR DYSTROPHY, PSEUDOHYPERTROPHIC PROGRESSIVE, BECKER TYPE; Becker Muscular Dystrophy (BMD). Identifiers: Orphanet 98895, MedGen C0917713, MONDO:0010311, OMIM 300376.
Duchenne muscular dystrophy (DMD). Also called: MUSCULAR DYSTROPHY, PSEUDOHYPERTROPHIC PROGRESSIVE, DUCHENNE TYPE; Duchenne Muscular Dystrophy (DMD). Identifiers: Orphanet 98896, MedGen C0013264, MONDO:0010679, OMIM 310200.
Dilated cardiomyopathy 3B (CMD3B). Also called: CMD3B: DMD-Related Dilated Cardiomyopathy; CARDIOMYOPATHY, DILATED, X-LINKED; DMD-Associated Dilated Cardiomyopathy. Identifiers: Orphanet 154, MedGen C3668940, MONDO:0010542, OMIM 302045.

Allele frequency attached by ClinVar (database versions not stated): TOPMed below 0.00001; gnomAD 0.00001; gnomAD exomes 0.00001.
gnomAD v4.1: 10 of 1,188,946 alleles (0.00084%); highest among the groups gnomAD compares: Non-Finnish European, 0.001%; no homozygotes.

Submissions (2):

Labcorp Genetics (formerly Invitae), Labcorp
Classification: Likely benign for Duchenne muscular dystrophy. Last evaluated: 2024-04-26. Review status: criteria provided, single submitter. Criteria: Invitae Variant Classification Sherloc (09022015). Collection method: clinical testing. Allele origin: germline.

Clinical Genomics Laboratory, Stanford Medicine
Classification: Uncertain significance for Duchenne muscular dystrophy; Becker muscular dystrophy; Dilated cardiomyopathy 3B. Last evaluated: 2022-04-18. Review status: criteria provided, single submitter. Criteria: ACMG Guidelines, 2015. Collection method: clinical testing. Allele origin: germline. Observed: 1 variant allele, 1 heterozygote.
Comment: The p.Ser2214Ala variant in the DMD gene has not been previously reported in association with disease.This variant has been identified in 1/80,960 European (non-Finnish) chromosomes by the Genome Aggregation Database. Computational tools predict that this variant does not impact protein function; however, the accuracy of in silico algorithms is limited. These data were assessed using the ACMG/AMP variant interpretation guidelines. In summary, the significance of the p.Ser2214Ala variant is uncertain. Additional information is needed to resolve the significance of this variant. [ACMG evidence codes used: PM2; BP4]